The following is an entry in ClinVar:

NM_006031.6(PCNT):c.8895G>A (p.Ala2965=)

Gene: PCNT (pericentrin; plus strand). Cytogenetic location: 21q22.3.
Variant type: single nucleotide variant.
Coding change: c.8895G>A on transcript NM_006031.6 (MANE Select); coding-DNA position 8895, G replaced by A.
Protein change: p.Ala2965=; no amino-acid change (alanine 2965 retained).
Molecular consequence: synonymous variant.
Genome position (GRCh38, 1-based): chr21:46,436,047, G>A. VCF-style: chr21-46436047-G-A. GRCh37 (hg19) VCF-style: chr21-47855960-G-A.
Other names: c.8304G>A, p.Ala2768= (NM_001315529.2).
Identifiers: ClinVar variation 159680 (VCV000159680.22), dbSNP rs572222540, ClinGen allele CA173133.

ClinVar aggregate classification (germline): Benign/Likely benign. Review status: criteria provided, multiple submitters, no conflicts (2 of 4 stars). 6 submissions from 6 submitters: Benign (4); Likely benign (1). 1 of the submissions does not count toward it. Last evaluated 2026-02-04.

Conditions:
PCNT-related disorder. Also called: PCNT-related condition.
Microcephalic osteodysplastic primordial dwarfism type II (MOPD2). Also called: Microcephalic osteodysplastic primordial dwarfism with tooth abnormalities; MOPD II; OSTEODYSPLASTIC PRIMORDIAL DWARFISM, TYPE II. Identifiers: Orphanet 2637, MedGen C0432246, MONDO:0008872, OMIM 210720.

Allele frequency attached by ClinVar (database versions not stated): gnomAD 0.00008 and 0.00065; TOPMed 0.00012; gnomAD exomes 0.00221; ExAC 0.00265; 1000 Genomes Project 30x 0.00562; 1000 Genomes Project 0.00619.
gnomAD v4.1: 1,756 of 1,613,748 alleles (0.11%); highest among the groups gnomAD compares: South Asian, 1.8%; 31 homozygotes.

Submissions (6):

Labcorp Genetics (formerly Invitae), Labcorp
Classification: Benign. Last evaluated: 2026-02-04. Review status: criteria provided, single submitter. Criteria: Invitae Variant Classification Sherloc (09022015). Collection method: clinical testing. Allele origin: germline.

Illumina Laboratory Services, Illumina
Classification: Benign for Microcephalic osteodysplastic primordial dwarfism type II. Last evaluated: 2018-01-13. Review status: criteria provided, single submitter. Criteria: ICSL Variant Classification Criteria 13 December 2019. Collection method: clinical testing. Allele origin: germline.
Comment: This variant was observed in the ICSL laboratory as part of a predisposition screen in an ostensibly healthy population. It had not been previously curated by ICSL or reported in the Human Gene Mutation Database (HGMD: prior to June 1st, 2018), and was therefore a candidate for classification through an automated scoring system. Utilizing variant allele frequency, disease prevalence and penetrance estimates, and inheritance mode, an automated score was calculated to assess if this variant is too frequent to cause the disease. Based on the score and internal cut-off values, a variant classified as benign is not then subjected to further curation. The score for this variant resulted in a classification of benign for this disease.

GeneDx
Classification: Benign. Last evaluated: 2017-12-22. Review status: criteria provided, single submitter. Criteria: GeneDx Variant Classification (06012015). Collection method: clinical testing. Allele origin: germline. Affected: yes.
Comment: This variant is considered likely benign or benign based on one or more of the following criteria: it is a conservative change, it occurs at a poorly conserved position in the protein, it is predicted to be benign by multiple in silico algorithms, and/or has population frequency not consistent with disease.

Eurofins Ntd Llc (ga)
Classification: Benign. Last evaluated: 2015-10-09. Review status: criteria provided, single submitter. Criteria: EGL Classification Definitions 2015. Collection method: clinical testing. Allele origin: germline. Observed: 1 variant allele, 1 heterozygote.

Genetic Services Laboratory, University of Chicago
Classification: Likely benign. Last evaluated: 2013-12-04. Review status: criteria provided, single submitter. Criteria: ACMG Guidelines, 2007. Collection method: clinical testing. Allele origin: germline. Inheritance: Autosomal recessive inheritance.
Comment: Likely benign based on allele frequency in 1000 Genomes Project or ESP global frequency and its presence in a patient with a rare or unrelated disease phenotype. NOT Sanger confirmed

PreventionGenetics, part of Exact Sciences
Classification: Likely benign for PCNT-related condition. Last evaluated: 2021-10-07. Review status: no assertion criteria provided. Collection method: clinical testing. Allele origin: germline. Not counted in ClinVar's aggregate classification.
Comment: This variant is classified as likely benign based on ACMG/AMP sequence variant interpretation guidelines (Richards et al. 2015 PMID: 25741868, with internal and published modifications).